The following is an entry in ClinVar:

NM_001277115.2(DNAH11):c.4658C>G (p.Ser1553Ter)

Gene: DNAH11 (dynein axonemal heavy chain 11; plus strand). Cytogenetic location: 7p15.3.
Variant type: single nucleotide variant.
Coding change: c.4658C>G on transcript NM_001277115.2 (MANE Select); coding-DNA position 4658, C replaced by G.
Protein change: p.Ser1553Ter; replaces serine 1553 with a stop codon.
Molecular consequence: nonsense.
Genome position (GRCh38, 1-based): chr7:21,636,028, C>G. VCF-style: chr7-21636028-C-G. GRCh37 (hg19) VCF-style: chr7-21675646-C-G.
Other names: c.4673C>G, p.Ser1558Ter (NM_003777.3); short protein forms S1558*, S1553*.
Identifiers: ClinVar variation 3012481 (VCV003012481.4), dbSNP rs1786848141, ClinGen allele CA366933489.

ClinVar aggregate classification (germline): Pathogenic/Likely pathogenic. Review status: criteria provided, multiple submitters, no conflicts (2 of 4 stars). 2 submissions from 2 submitters: Pathogenic (1); Likely pathogenic (1). Last evaluated 2024-06-04.

Conditions:
Primary ciliary dyskinesia. Also called: Ciliary dyskinesia. Identifiers: Orphanet 244, MedGen C0008780, MONDO:0016575, HP:0012265.
Primary ciliary dyskinesia 7. Also called: CILIARY DYSKINESIA, PRIMARY, 7, WITH OR WITHOUT SITUS INVERSUS. Identifiers: Orphanet 244, MedGen C2678473, MONDO:0012748, OMIM 611884.

gnomAD v4.1: 5 of 1,613,620 alleles (0.00031%); highest among the groups gnomAD compares: Non-Finnish European, 0.00042%; no homozygotes.

Submissions (2):

Fulgent Genetics
Classification: Likely pathogenic for Primary ciliary dyskinesia 7. Last evaluated: 2024-06-04. Review status: criteria provided, single submitter. Criteria: ACMG Guidelines, 2015. Collection method: clinical testing. Allele origin: germline.

Labcorp Genetics (formerly Invitae), Labcorp
Classification: Pathogenic for Primary ciliary dyskinesia. Last evaluated: 2023-02-08. Review status: criteria provided, single submitter. Criteria: Invitae Variant Classification Sherloc (09022015). Collection method: clinical testing. Allele origin: germline.
Comment: For these reasons, this variant has been classified as Pathogenic. This variant has not been reported in the literature in individuals affected with DNAH11-related conditions. This variant is not present in population databases (gnomAD no frequency). This sequence change creates a premature translational stop signal (p.Ser1553*) in the DNAH11 gene. It is expected to result in an absent or disrupted protein product. Loss-of-function variants in DNAH11 are known to be pathogenic (PMID: 18022865, 20513915, 22184204).

Literature cited by the submitters: PubMed 18022865 (cited by Labcorp Genetics (formerly Invitae), Labcorp); PubMed 20513915 (cited by Labcorp Genetics (formerly Invitae), Labcorp); PubMed 22184204 (cited by Labcorp Genetics (formerly Invitae), Labcorp).